The following is an entry in ClinVar:

ClinVar aggregate classification (germline): Pathogenic. Review status: criteria provided, multiple submitters, no conflicts (2 of 4 stars). 3 submissions from 3 submitters: Pathogenic (3). Last evaluated 2023-07-19.

Conditions:
Familial adenomatous polyposis 1 (FAP1). Also called: FAMILIAL ADENOMATOUS POLYPOSIS 1, ATTENUATED; POLYPOSIS, ADENOMATOUS INTESTINAL. Identifiers: MedGen C2713442, MONDO:0021056, OMIM 175100. Disease mechanism: loss of function.

Submissions (3):

Labcorp Genetics (formerly Invitae), Labcorp
Classification: Pathogenic for Familial adenomatous polyposis 1. Last evaluated: 2023-07-19. Review status: criteria provided, single submitter. Criteria: Invitae Variant Classification Sherloc (09022015). Collection method: clinical testing. Allele origin: germline.
Comment: For these reasons, this variant has been classified as Pathogenic. Algorithms developed to predict the effect of sequence changes on RNA splicing suggest that this variant may disrupt the consensus splice site. ClinVar contains an entry for this variant (Variation ID: 419800). This variant has not been reported in the literature in individuals affected with APC-related conditions. This variant is not present in population databases (gnomAD no frequency). This sequence change creates a premature translational stop signal (p.Lys311*) in the APC gene. It is expected to result in an absent or disrupted protein product. Loss-of-function variants in APC are known to be pathogenic (PMID: 17963004, 20685668).

Myriad Genetics, Inc.
Classification: Pathogenic for Familial adenomatous polyposis 1. Last evaluated: 2023-04-27. Review status: criteria provided, single submitter. Criteria: Myriad Autosomal Dominant, Autosomal Recessive and X-Linked Classification Criteria (2023). Collection method: clinical testing. Allele origin: unknown.
Comment: This variant is considered pathogenic. This variant creates a termination codon and is predicted to result in premature protein truncation.

GeneDx
Classification: Pathogenic. Last evaluated: 2017-11-30. Review status: criteria provided, single submitter. Criteria: GeneDx Variant Classification (06012015). Collection method: clinical testing. Allele origin: germline. Affected: yes.
Comment: This pathogenic variant is denoted APC c.931A>T at the cDNA level and p.Lys311Ter (K311X) at the protein level. The substitution creates a nonsense variant, which changes a Lysine to a premature stop codon (AAG>TAG), and is predicted to cause loss of normal protein function through either protein truncation or nonsense-mediated mRNA decay. APC Lys311Ter has not, to our knowledge, been published in the literature as a germline variant; however, it has been reported as a somatic variant in a colorectal tumor (Olschwang 1997). We consider this variant to be pathogenic.

Literature cited by the submitters: PubMed 17963004 (cited by Labcorp Genetics (formerly Invitae), Labcorp); PubMed 20685668 (cited by Labcorp Genetics (formerly Invitae), Labcorp).

NM_000038.6(APC):c.931A>T (p.Lys311Ter)

Gene: APC (APC regulator of Wnt signaling pathway; plus strand). Cytogenetic location: 5q22.2.
Variant type: single nucleotide variant.
Coding change: c.931A>T on transcript NM_000038.6 (MANE Select); coding-DNA position 931, A replaced by T.
Protein change: p.Lys311Ter; replaces lysine 311 with a stop codon.
Molecular consequence: nonsense.
Genome position (GRCh38, 1-based): chr5:112,815,591, A>T. VCF-style: chr5-112815591-A-T. GRCh37 (hg19) VCF-style: chr5-112151288-A-T.
Other names: c.931A>T, p.Lys311Ter (NM_001127510.3, NM_001354895.2, NM_001354896.2 and 1 more transcripts); c.877A>T, p.Lys293Ter (NM_001127511.3); c.961A>T, p.Lys321Ter (NM_001354897.2, NM_001354902.2); c.856A>T, p.Lys286Ter (NM_001354898.2, NM_001354904.2); c.847A>T, p.Lys283Ter (NM_001354899.2); c.754A>T, p.Lys252Ter (NM_001354900.2, NM_001354901.2, NM_001354905.2); c.82A>T, p.Lys28Ter (NM_001354906.2); short protein forms K293*, K311*, K252*, K286*, K28*, K283*, K321*.
Identifiers: ClinVar variation 419800 (VCV000419800.9), dbSNP rs1064794114, ClinGen allele CA16023345.